The following is an entry in ClinVar:

ClinVar aggregate classification (germline): Uncertain significance (1 of 4 stars; one submission).

gnomAD v4.1: 12 of 1,614,174 alleles (0.00074%); highest among the groups gnomAD compares: South Asian, 0.0099%; no homozygotes.

Submission:

Labcorp Genetics (formerly Invitae), Labcorp
Classification: Uncertain significance. Last evaluated: 2024-07-05. Review status: criteria provided, single submitter. Criteria: Invitae Variant Classification Sherloc (09022015). Collection method: clinical testing. Allele origin: germline.
Comment: This sequence change replaces valine, which is neutral and non-polar, with isoleucine, which is neutral and non-polar, at codon 496 of the LYN protein (p.Val496Ile). This variant is present in population databases (rs527508795, gnomAD 0.02%). This variant has not been reported in the literature in individuals affected with LYN-related conditions. An algorithm developed to predict the effect of missense changes on protein structure and function (PolyPhen-2) suggests that this variant is likely to be disruptive. In summary, the available evidence is currently insufficient to determine the role of this variant in disease. Therefore, it has been classified as a Variant of Uncertain Significance.

NM_002350.4(LYN):c.1486G>A (p.Val496Ile)

Gene: LYN (LYN proto-oncogene, Src family tyrosine kinase; plus strand). Cytogenetic location: 8q12.1.
Variant type: single nucleotide variant.
Coding change: c.1486G>A on transcript NM_002350.4 (MANE Select); coding-DNA position 1486, G replaced by A.
Protein change: p.Val496Ile; replaces valine 496 with isoleucine.
Molecular consequence: missense variant.
Genome position (GRCh38, 1-based): chr8:56,010,057, G>A. VCF-style: chr8-56010057-G-A. GRCh37 (hg19) VCF-style: chr8-56922616-G-A.
Other names: c.1423G>A, p.Val475Ile (NM_001111097.3); short protein forms V475I, V496I.
Identifiers: ClinVar variation 3609317 (VCV003609317.2).